The following is an entry in ClinVar:

NM_033118.4(MYLK2):c.809G>T (p.Arg270Leu)

Gene: MYLK2 (myosin light chain kinase 2; plus strand). Cytogenetic location: 20q11.21.
Variant type: single nucleotide variant.
Coding change: c.809G>T on transcript NM_033118.4 (MANE Select); coding-DNA position 809, G replaced by T.
Protein change: p.Arg270Leu; replaces arginine 270 with leucine.
Molecular consequence: missense variant.
Genome position (GRCh38, 1-based): chr20:31,823,513, G>T. VCF-style: chr20-31823513-G-T. GRCh37 (hg19) VCF-style: chr20-30411316-G-T.
Other names: short protein forms R270L.
Identifiers: ClinVar variation 1410185 (VCV001410185.6), dbSNP rs146485342, ClinGen allele CA313850562.

ClinVar aggregate classification (germline): Uncertain significance (1 of 4 stars; one submission).

Conditions:
Hypertrophic cardiomyopathy 1 (CMH1). Also called: Familial hypertrophic cardiomyopathy 1; MYH7-Related Familial Hypertrophic Cardiomyopathy. Identifiers: MedGen C3495498, MONDO:0008647, OMIM 192600.

Allele frequency attached by ClinVar (database versions not stated): 1000 Genomes Project 0.00020; 1000 Genomes Project 30x 0.00031.
gnomAD v4.1: 12 of 1,613,640 alleles (0.00074%); highest among the groups gnomAD compares: African/African-American, 0.013%; no homozygotes.

Submission:

Labcorp Genetics (formerly Invitae), Labcorp
Classification: Uncertain significance for Hypertrophic cardiomyopathy 1. Last evaluated: 2025-08-14. Review status: criteria provided, single submitter. Criteria: Invitae Variant Classification Sherloc (09022015). Collection method: clinical testing. Allele origin: germline.
Comment: This sequence change replaces arginine, which is basic and polar, with leucine, which is neutral and non-polar, at codon 270 of the MYLK2 protein (p.Arg270Leu). This variant is present in population databases (rs146485342, gnomAD 0.008%). This variant has not been reported in the literature in individuals affected with MYLK2-related conditions. ClinVar contains an entry for this variant (Variation ID: 1410185). Invitae Evidence Modeling of protein sequence and biophysical properties (such as structural, functional, and spatial information, amino acid conservation, physicochemical variation, residue mobility, and thermodynamic stability) has been performed for this missense variant. However, the output from this modeling did not meet the statistical confidence thresholds required to predict the impact of this variant on MYLK2 protein function. In summary, the available evidence is currently insufficient to determine the role of this variant in disease. Therefore, it has been classified as a Variant of Uncertain Significance.